The following is an entry in ClinVar:

NM_005902.4(SMAD3):c.532+46G>A

Gene: SMAD3 (SMAD family member 3; plus strand). Cytogenetic location: 15q22.33.
Variant type: single nucleotide variant.
Coding change: c.532+46G>A on transcript NM_005902.4 (MANE Select); 46 bases into the intron after coding-DNA position 532, G replaced by A.
Molecular consequence: intron variant.
Genome position (GRCh38, 1-based): chr15:67,165,430, G>A. VCF-style: chr15-67165430-G-A. GRCh37 (hg19) VCF-style: chr15-67457768-G-A.
Other names: c.217+46G>A (NM_001145102.2); c.400+46G>A (NM_001145103.2).
Identifiers: ClinVar variation 672049 (VCV000672049.1), dbSNP rs375065340, ClinGen allele CA062354.

ClinVar aggregate classification (germline): Likely benign (1 of 4 stars; one submission).

Allele frequency attached by ClinVar (database versions not stated): gnomAD 0.00001 and 0.00036; ESP Exome Variant Server 0.00008; TOPMed 0.00014; gnomAD exomes 0.00128; ExAC 0.00131; 1000 Genomes Project 0.00220; 1000 Genomes Project 30x 0.00234.
gnomAD v4.1: 922 of 1,607,664 alleles (0.057%); highest among the groups gnomAD compares: South Asian, 0.95%; 11 homozygotes.

Submission:

GeneDx
Classification: Likely benign. Last evaluated: 2018-06-14. Review status: criteria provided, single submitter. Criteria: GeneDx Variant Classification (06012015). Collection method: clinical testing. Allele origin: germline. Affected: yes.
Comment: This variant is considered likely benign or benign based on one or more of the following criteria: it is a conservative change, it occurs at a poorly conserved position in the protein, it is predicted to be benign by multiple in silico algorithms, and/or has population frequency not consistent with disease.